The following is an entry in ClinVar:

NM_025132.4(WDR19):c.3508A>G (p.Met1170Val)

Gene: WDR19 (WD repeat domain 19; plus strand). Cytogenetic location: 4p14.
Variant type: single nucleotide variant.
Coding change: c.3508A>G on transcript NM_025132.4 (MANE Select); coding-DNA position 3508, A replaced by G.
Protein change: p.Met1170Val; replaces methionine 1170 with valine.
Molecular consequence: missense variant.
Genome position (GRCh38, 1-based): chr4:39,273,004, A>G. VCF-style: chr4-39273004-A-G. GRCh37 (hg19) VCF-style: chr4-39274624-A-G.
Other names: c.3028A>G, p.Met1010Val (NM_001317924.2); short protein forms M1010V, M1170V.
Identifiers: ClinVar variation 1022968 (VCV001022968.6), dbSNP rs371474583, ClinGen allele CA2892403.

ClinVar aggregate classification (germline): Uncertain significance (1 of 4 stars; one submission).

Conditions:
Senior-Loken syndrome 8 (SLSN8). Identifiers: Orphanet 3156, MedGen C4225376, MONDO:0014579, OMIM 616307.
Asphyxiating thoracic dystrophy 5 (SRTD5). Also called: SHORT-RIB THORACIC DYSPLASIA 5 WITH OR WITHOUT POLYDACTYLY; SHORT-RIB THORACIC DYSPLASIA 5 WITHOUT POLYDACTYLY. Identifiers: Orphanet 474, MedGen C3280598, MONDO:0013717, OMIM 614376.

Allele frequency attached by ClinVar (database versions not stated): TOPMed 0.00001; ESP Exome Variant Server 0.00008.

Submission:

Labcorp Genetics (formerly Invitae), Labcorp
Classification: Uncertain significance for Senior-Loken syndrome 8; Asphyxiating thoracic dystrophy 5. Last evaluated: 2020-03-26. Review status: criteria provided, single submitter. Criteria: Invitae Variant Classification Sherloc (09022015). Collection method: clinical testing. Allele origin: germline.
Comment: This sequence change replaces methionine with valine at codon 1170 of the WDR19 protein (p.Met1170Val). The methionine residue is moderately conserved and there is a small physicochemical difference between methionine and valine. In summary, the available evidence is currently insufficient to determine the role of this variant in disease. Therefore, it has been classified as a Variant of Uncertain Significance. Algorithms developed to predict the effect of missense changes on protein structure and function output the following: SIFT: "Tolerated"; PolyPhen-2: "Benign"; Align-GVGD: "Class C0". The valine amino acid residue is found in multiple mammalian species, suggesting that this missense change does not adversely affect protein function. These predictions have not been confirmed by published functional studies and their clinical significance is uncertain. This variant has not been reported in the literature in individuals with WDR19-related conditions. This variant is present in population databases (rs371474583, ExAC 0.003%).